The following is an entry in ClinVar:

ClinVar aggregate classification (germline): Uncertain significance (1 of 4 stars; one submission).

Conditions:
LAMA2-related muscular dystrophy (LAMA2-RD). Also called: Laminin alpha 2-related dystrophy. Identifiers: MedGen C5679788, MONDO:0100228.

Submission:

Labcorp Genetics (formerly Invitae), Labcorp
Classification: Uncertain significance for LAMA2-related muscular dystrophy. Last evaluated: 2020-04-01. Review status: criteria provided, single submitter. Criteria: Invitae Variant Classification Sherloc (09022015). Collection method: clinical testing. Allele origin: germline.
Comment: In summary, the available evidence is currently insufficient to determine the role of this variant in disease. Therefore, it has been classified as a Variant of Uncertain Significance. Algorithms developed to predict the effect of missense changes on protein structure and function are either unavailable or do not agree on the potential impact of this missense change (SIFT: "Deleterious"; PolyPhen-2: "Probably Damaging"; Align-GVGD: "Class C15"). This variant has been observed in individual(s) with clinical features of congenital muscular dystrophy (Invitae). In at least one individual the data is consistent with the variant being in trans (on the opposite chromosome) from a pathogenic variant. This variant is not present in population databases (ExAC no frequency). This sequence change replaces aspartic acid with valine at codon 2844 of the LAMA2 protein (p.Asp2844Val). The aspartic acid residue is highly conserved and there is a large physicochemical difference between aspartic acid and valine.

NM_000426.4(LAMA2):c.8531A>T (p.Asp2844Val)

Gene: LAMA2 (laminin subunit alpha 2; plus strand). Cytogenetic location: 6q22.33.
Variant type: single nucleotide variant.
Coding change: c.8531A>T on transcript NM_000426.4 (MANE Select); coding-DNA position 8531, A replaced by T.
Protein change: p.Asp2844Val; replaces aspartic acid 2844 with valine.
Molecular consequence: missense variant.
Genome position (GRCh38, 1-based): chr6:129,503,264, A>T. VCF-style: chr6-129503264-A-T. GRCh37 (hg19) VCF-style: chr6-129824409-A-T.
Other names: c.8519A>T, p.Asp2840Val (NM_001079823.2); short protein forms D2840V, D2844V.
Identifiers: ClinVar variation 1003490 (VCV001003490.10), dbSNP rs1785793783, ClinGen allele CA365634469.